The following is an entry in ClinVar:

NM_003901.4(SGPL1):c.182T>G (p.Phe61Cys)

Gene: SGPL1 (sphingosine-1-phosphate lyase 1; plus strand). Cytogenetic location: 10q22.1.
Variant type: single nucleotide variant.
Coding change: c.182T>G on transcript NM_003901.4 (MANE Select); coding-DNA position 182, T replaced by G.
Protein change: p.Phe61Cys; replaces phenylalanine 61 with cysteine.
Molecular consequence: missense variant.
Genome position (GRCh38, 1-based): chr10:70,844,627, T>G. VCF-style: chr10-70844627-T-G. GRCh37 (hg19) VCF-style: chr10-72604384-T-G.
Other names: short protein forms F61C.
Identifiers: ClinVar variation 1958273 (VCV001958273.5), dbSNP rs1326452400, ClinGen allele CA377113645.

ClinVar aggregate classification (germline): Uncertain significance (1 of 4 stars; one submission).

Allele frequency attached by ClinVar (database versions not stated): gnomAD exomes below 0.00001; TOPMed 0.00001.
gnomAD v4.1: 2 of 1,614,002 alleles (0.00012%); highest among the groups gnomAD compares: Admixed American, 0.0017%; no homozygotes.

Submission:

Labcorp Genetics (formerly Invitae), Labcorp
Classification: Uncertain significance. Last evaluated: 2024-04-10. Review status: criteria provided, single submitter. Criteria: Invitae Variant Classification Sherloc (09022015). Collection method: clinical testing. Allele origin: germline.
Comment: This sequence change replaces phenylalanine, which is neutral and non-polar, with cysteine, which is neutral and slightly polar, at codon 61 of the SGPL1 protein (p.Phe61Cys). This variant is present in population databases (no rsID available, gnomAD 0.003%). This variant has not been reported in the literature in individuals affected with SGPL1-related conditions. ClinVar contains an entry for this variant (Variation ID: 1958273). An algorithm developed to predict the effect of missense changes on protein structure and function (PolyPhen-2) suggests that this variant is likely to be tolerated. In summary, the available evidence is currently insufficient to determine the role of this variant in disease. Therefore, it has been classified as a Variant of Uncertain Significance.